The following is an entry in ClinVar:

NM_001005242.3(PKP2):c.224-8G>T

Gene: PKP2 (plakophilin 2; minus strand). Cytogenetic location: 12p11.21.
Variant type: single nucleotide variant.
Coding change: c.224-8G>T on transcript NM_001005242.3 (MANE Select); 8 bases into the intron before coding-DNA position 224, G replaced by T.
Molecular consequence: intron variant.
Genome position (GRCh38, 1-based): chr12:32,879,040, C>A on the plus strand (G>T on the coding strand, the complement: PKP2 is on the minus strand). VCF-style: chr12-32879040-C-A. GRCh37 (hg19) VCF-style: chr12-33031974-C-A.
Other names: c.224-8G>T (NM_004572.4).
Identifiers: ClinVar variation 1592873 (VCV001592873.9), dbSNP rs1486692885, ClinGen allele CA687414763.

ClinVar aggregate classification (germline): Conflicting classifications of pathogenicity. Review status: criteria provided, conflicting classifications (1 of 4 stars). 2 submissions from 2 submitters: Uncertain significance (1); Likely benign (1). Last evaluated 2025-03-11.

Conditions:
Arrhythmogenic right ventricular cardiomyopathy (ARVD). Also called: Cardiomyopathy, ARVC; Arrhythmogenic right ventricular dysplasia; Arrhythmogenic cardiomyopathy; Arrhythmogenic Right Ventricular Cardiomyopathy (ARVC). Identifiers: Orphanet 247, MedGen C0349788, MeSH D019571, MONDO:0016587. Disease mechanism: loss of function. Inheritance: Various modes of inheritance.
Arrhythmogenic right ventricular dysplasia 9 (ARVD9). Also called: Arrhythmogenic Right Ventricular Dysplasia/Cardiomyopathy 9; ARRHYTHMOGENIC RIGHT VENTRICULAR DYSPLASIA, FAMILIAL, 9. Identifiers: MedGen C1836906, MONDO:0012180, OMIM 609040.

Allele frequency attached by ClinVar (database versions not stated): gnomAD exomes below 0.00001; TOPMed 0.00001; gnomAD 0.00002 and 0.00003.
gnomAD v4.1: 6 of 1,373,356 alleles (0.00044%); highest among the groups gnomAD compares: African/African-American, 0.0086%; no homozygotes.

Submissions (2):

Labcorp Genetics (formerly Invitae), Labcorp
Classification: Likely benign for Arrhythmogenic right ventricular dysplasia 9. Last evaluated: 2025-03-11. Review status: criteria provided, single submitter. Criteria: Invitae Variant Classification Sherloc (09022015). Collection method: clinical testing. Allele origin: germline.

All of Us Research Program, National Institutes of Health
Classification: Uncertain significance for Arrhythmogenic right ventricular cardiomyopathy. Last evaluated: 2023-05-04. Review status: criteria provided, single submitter. Criteria: ACMG Guidelines, 2015. Collection method: clinical testing. Allele origin: germline. Inheritance: Autosomal dominant inheritance. Observed: 1 variant allele, 1 heterozygote.
Comment: This variant causes a G to T nucleotide substitution at the -8 position of intron 1 of the PKP2 gene. To our knowledge, functional studies have not been reported for this variant. This variant has not been reported in individuals affected with PKP2-related disorders in the literature. This variant has not been identified in the general population by the Genome Aggregation Database (gnomAD). The available evidence is insufficient to determine the role of this variant in disease conclusively. Therefore, this variant is classified as a Variant of Uncertain Significance.

This study involves interpretation of variants in research participants for the purpose of population health screening. Participant phenotype was not available at the time of variant classification. Additional details can be found in publication PMID: 35346344, PMCID: PMC8962531